The following is an entry in ClinVar:

NM_025144.4(ALPK1):c.1037C>T (p.Thr346Ile)

Gene: ALPK1 (alpha kinase 1; plus strand). Cytogenetic location: 4q25.
Variant type: single nucleotide variant.
Coding change: c.1037C>T on transcript NM_025144.4 (MANE Select); coding-DNA position 1037, C replaced by T.
Protein change: p.Thr346Ile; replaces threonine 346 with isoleucine.
Molecular consequence: missense variant.
Genome position (GRCh38, 1-based): chr4:112,430,584, C>T. VCF-style: chr4-112430584-C-T. GRCh37 (hg19) VCF-style: chr4-113351740-C-T.
Other names: c.1037C>T, p.Thr346Ile (NM_001102406.2); c.803C>T, p.Thr268Ile (NM_001253884.2); short protein forms T346I, T268I.
Identifiers: ClinVar variation 2789817 (VCV002789817.3), dbSNP rs934021382, ClinGen allele CA103762662.

ClinVar aggregate classification (germline): Uncertain significance (1 of 4 stars; one submission).

Allele frequency attached by ClinVar (database versions not stated): gnomAD exomes below 0.00001; TOPMed 0.00001.
gnomAD v4.1: 2 of 1,614,156 alleles (0.00012%); highest among the groups gnomAD compares: Admixed American, 0.0017%; no homozygotes.

Submission:

Labcorp Genetics (formerly Invitae), Labcorp
Classification: Uncertain significance. Last evaluated: 2023-05-21. Review status: criteria provided, single submitter. Criteria: Invitae Variant Classification Sherloc (09022015). Collection method: clinical testing. Allele origin: germline.
Comment: In summary, the available evidence is currently insufficient to determine the role of this variant in disease. Therefore, it has been classified as a Variant of Uncertain Significance. Advanced modeling of protein sequence and biophysical properties (such as structural, functional, and spatial information, amino acid conservation, physicochemical variation, residue mobility, and thermodynamic stability) performed at Invitae indicates that this missense variant is not expected to disrupt ALPK1 protein function. This variant has not been reported in the literature in individuals affected with ALPK1-related conditions. This variant is not present in population databases (gnomAD no frequency). This sequence change replaces threonine, which is neutral and polar, with isoleucine, which is neutral and non-polar, at codon 346 of the ALPK1 protein (p.Thr346Ile).